The following is an entry in ClinVar:

ClinVar aggregate classification (germline): Uncertain significance. Review status: criteria provided, multiple submitters, no conflicts (2 of 4 stars). 2 submissions from 2 submitters: Uncertain significance (2). Last evaluated 2021-12-26.

Conditions:
Intellectual developmental disorder, autosomal recessive 37. Also called: Intellectual disability-hypotonia-spasticity-sleep disorder syndrome. Identifiers: Orphanet 356996, MedGen C3809672, MONDO:0014210, OMIM 615493.

Allele frequency attached by ClinVar (database versions not stated): TOPMed below 0.00001; gnomAD 0.00002; gnomAD exomes 0.00004; ExAC 0.00009; 1000 Genomes Project 30x 0.00031; 1000 Genomes Project 0.00040.
gnomAD v4.1: 60 of 1,613,866 alleles (0.0037%); highest among the groups gnomAD compares: South Asian, 0.06%; no homozygotes.

Submissions (2):

Baylor Genetics
Classification: Uncertain significance for Intellectual developmental disorder, autosomal recessive 37. Last evaluated: 2021-12-26. Review status: criteria provided, single submitter. Criteria: ACMG Guidelines, 2015. Collection method: clinical testing. Allele origin: unknown.

Neuberg Centre For Genomic Medicine, NCGM
Classification: Uncertain significance for Intellectual developmental disorder, autosomal recessive 37. Review status: criteria provided, single submitter. Criteria: ACMG Guidelines, 2015. Collection method: clinical testing. Allele origin: germline. Inheritance: Autosomal recessive inheritance. Affected: yes.
Comment: The missense c.2669A>Gp.Lys890Arg variant in ANK3 gene has not been reported previously as a pathogenic variant nor as a benign variant, to our knowledge. The p.Ser118Leu variant has been reported with allele frequency of 0.009% in gnomAD Exomes and is novel not in any individuals in 1000 Genomes database. This variant has not been reported to the ClinVar database. The amino acid change p.Lys890Arg in ANK3 is predicted as conserved by GERP++ and PhyloP across 100 vertebrates. The amino acid Lys at position 890 is changed to a Arg changing protein sequence and it might alter its composition and physico-chemical properties. For these reasons, this variant has been classified as Variant of Uncertain Significance VUS.

NM_020987.5(ANK3):c.2669A>G (p.Lys890Arg)

Gene: ANK3 (ankyrin 3; minus strand). Cytogenetic location: 10q21.2.
Variant type: single nucleotide variant.
Coding change: c.2669A>G on transcript NM_020987.5 (MANE Select); coding-DNA position 2669, A replaced by G.
Protein change: p.Lys890Arg; replaces lysine 890 with arginine.
Molecular consequence: missense variant.
Genome position (GRCh38, 1-based): chr10:60,139,033, T>C on the plus strand (A>G on the coding strand, the complement: ANK3 is on the minus strand). VCF-style: chr10-60139033-T-C. GRCh37 (hg19) VCF-style: chr10-61898791-T-C.
Other names: c.71A>G, p.Lys24Arg (NM_001149.4); c.2651A>G, p.Lys884Arg (NM_001204403.2); c.2672A>G, p.Lys891Arg (NM_001204404.2); c.2669A>G, p.Lys890Arg (NM_001320874.2); short protein forms K24R, K884R, K890R, K891R.
Identifiers: ClinVar variation 2442064 (VCV002442064.2), dbSNP rs543423539, ClinGen allele CA5512699.